The following is an entry in ClinVar:

ClinVar aggregate classification (germline): Uncertain significance. Review status: criteria provided, multiple submitters, no conflicts (2 of 4 stars). 4 submissions from 4 submitters: Uncertain significance (4). Last evaluated 2026-01-19.

Conditions:
Hereditary cancer-predisposing syndrome. Also called: Tumor predisposition; Hereditary Cancer Syndrome; Neoplastic Syndromes, Hereditary; Hereditary neoplastic syndrome. Identifiers: Orphanet 140162, MedGen C0027672, MeSH D009386, MONDO:0015356.
Multiple endocrine neoplasia, type 2 (MEN2). Identifiers: Orphanet 653, MedGen C4048306, MONDO:0019003. Disease mechanism: gain of function.
Hirschsprung disease, susceptibility to, 1 (HSCR1). Also called: RET-Related Hirschsprung Disease. Identifiers: Orphanet 388, MedGen C3888239, MONDO:0007723, OMIM 142623.

Allele frequency attached by ClinVar (database versions not stated): gnomAD exomes below 0.00001.
gnomAD v4.1: 2 of 1,613,634 alleles (0.00012%); highest among the groups gnomAD compares: East Asian, 0.0022%; no homozygotes.

Submissions (4):

Labcorp Genetics (formerly Invitae), Labcorp
Classification: Uncertain significance for Multiple endocrine neoplasia, type 2. Last evaluated: 2026-01-19. Review status: criteria provided, single submitter. Criteria: Invitae Variant Classification Sherloc (09022015). Collection method: clinical testing. Allele origin: germline.
Comment: This sequence change replaces valine, which is neutral and non-polar, with methionine, which is neutral and non-polar, at codon 347 of the RET protein (p.Val347Met). This variant is present in population databases (no rsID available, gnomAD 0.006%). This missense change has been observed in individual(s) with Hirschsprung disease (PMID: 30217742). ClinVar contains an entry for this variant (Variation ID: 822070). An algorithm developed to predict the effect of missense changes on protein structure and function (PolyPhen-2) suggests that this variant is likely to be disruptive. In summary, the available evidence is currently insufficient to determine the role of this variant in disease. Therefore, it has been classified as a Variant of Uncertain Significance.

Ambry Genetics
Classification: Uncertain significance for Hereditary cancer-predisposing syndrome. Last evaluated: 2025-12-04. Review status: criteria provided, single submitter. Criteria: Ambry Variant Classification Scheme 2023. Collection method: clinical testing. Allele origin: germline.
Comment: The p.V347M variant (also known as c.1039G>A), located in coding exon 5 of the RET gene, results from a G to A substitution at nucleotide position 1039. The valine at codon 347 is replaced by methionine, an amino acid with highly similar properties. This alteration was identified in 1 individual in a cohort of patients with short-segment Hirschsprung disease and 0 controls. (Tang CS et al. Gastroenterology, 2018 Dec;155:1908-1922.e5). This amino acid position is highly conserved in available vertebrate species. In addition, the in silico prediction for this alteration is inconclusive. Since supporting evidence is limited at this time, the clinical significance of this alteration remains unclear.

Quest Diagnostics Nichols Institute San Juan Capistrano
Classification: Uncertain significance. Last evaluated: 2024-01-02. Review status: criteria provided, single submitter. Criteria: Quest Diagnostics criteria. Collection method: clinical testing. Allele origin: unknown.

Baylor Genetics
Classification: Uncertain significance for Hirschsprung disease, susceptibility to, 1. Last evaluated: 2023-06-06. Review status: criteria provided, single submitter. Criteria: ACMG Guidelines, 2015. Collection method: clinical testing. Allele origin: unknown.

Literature cited by the submitters: PubMed 30217742 (cited by 3 submitters).

NM_020975.6(RET):c.1039G>A (p.Val347Met)

Gene: RET (ret proto-oncogene; plus strand). Cytogenetic location: 10q11.21.
Variant type: single nucleotide variant.
Coding change: c.1039G>A on transcript NM_020975.6 (MANE Select); coding-DNA position 1039, G replaced by A.
Protein change: p.Val347Met; replaces valine 347 with methionine.
Molecular consequence: missense variant.
Genome position (GRCh38, 1-based): chr10:43,106,547, G>A. VCF-style: chr10-43106547-G-A. GRCh37 (hg19) VCF-style: chr10-43601995-G-A.
Other names: c.1039G>A, p.Val347Met (NM_001406763.1, NM_001406765.1, NM_020629.2 and 6 more transcripts); c.910G>A, p.Val304Met (NM_001406764.1, NM_001406768.1, NM_001406761.1 and 1 more transcripts); c.751G>A, p.Val251Met (NM_001406766.1, NM_001406770.1, NM_001406767.1); c.277G>A, p.Val93Met (NM_001355216.2); short protein forms V347M, V93M, V304M, V251M.
Identifiers: ClinVar variation 822070 (VCV000822070.15), dbSNP rs1467660660, ClinGen allele CA376546465.
Genomic context (GRCh38, chr10:43,106,547, plus strand): 5'-CAGACCTTCCGGGTGGAACACTGGCCCAACGAGACCTCGGTCCAGGCCAACGGCAGCTTC[G>A]TGCGGGCGACCGTACATGACTATAGTAAGAGGGGCTGGTGGCACGGCCTGGCTAGGCCCC-3'
Protein context (NP_066124.1, residues 337-357): ETSVQANGSF[Val347Met]RATVHDYRLV